The following is an entry in ClinVar:

ClinVar aggregate classification (germline): Uncertain significance (1 of 4 stars; one submission).

Conditions:
Hereditary cancer-predisposing syndrome. Also called: Hereditary Cancer Syndrome; Tumor predisposition; Neoplastic Syndromes, Hereditary; Hereditary neoplastic syndrome. Identifiers: Orphanet 140162, MedGen C0027672, MeSH D009386, MONDO:0015356.

Submission:

Ambry Genetics
Classification: Uncertain significance for Hereditary cancer-predisposing syndrome. Last evaluated: 2026-02-19. Review status: criteria provided, single submitter. Criteria: Ambry Variant Classification Scheme 2023. Collection method: clinical testing. Allele origin: germline.
Comment: The p.M1402I variant (also known as c.4206G>TI), located in coding exon 21 of the DICER1 gene, results from a G to T substitution at nucleotide position 4206. The amino acid change results in methionine to isoleucine at codon 1402, an amino acid with highly similar properties. However, this change occurs in the last base pair of coding exon 21, which makes it likely to have some effect on normal mRNA splicing. This nucleotide position is highly conserved in available vertebrate species. In silico splice site analysis for this alteration is inconclusive. This amino acid position is not well conserved in available vertebrate species. In addition, as a missense substitution this is predicted to be tolerated by in silico analysis. Based on the available evidence, the clinical significance of this variant remains unclear.

NM_177438.3(DICER1):c.4206G>T (p.Met1402Ile)

Gene: DICER1 (dicer 1, ribonuclease III; minus strand). Cytogenetic location: 14q32.13.
Variant type: single nucleotide variant.
Coding change: c.4206G>T on transcript NM_177438.3 (MANE Select); coding-DNA position 4206, G replaced by T.
Protein change: p.Met1402Ile; replaces methionine 1402 with isoleucine.
Molecular consequence: missense variant.
Genome position (GRCh38, 1-based): chr14:95,099,780, C>A on the plus strand (G>T on the coding strand, the complement: DICER1 is on the minus strand). VCF-style: chr14-95099780-C-A. GRCh37 (hg19) VCF-style: chr14-95566117-C-A.
Other names: c.4206G>T, p.Met1402Ile (NM_001195573.1, NM_001271282.3, NM_001291628.2 and 1 more transcripts); short protein forms M1402I.
Identifiers: ClinVar variation 824676 (VCV000824676.5), dbSNP rs866519895, ClinGen allele CA265900624.